The following is an entry in ClinVar:

ClinVar aggregate classification (germline): Uncertain significance (1 of 4 stars; one submission).

Allele frequency attached by ClinVar (database versions not stated): gnomAD exomes below 0.00001.
gnomAD v4.1: 1 of 1,613,386 alleles (0.000062%); highest among the groups gnomAD compares: South Asian, 0.0011%; no homozygotes.

Submission:

Labcorp Genetics (formerly Invitae), Labcorp
Classification: Uncertain significance. Last evaluated: 2022-03-19. Review status: criteria provided, single submitter. Criteria: Invitae Variant Classification Sherloc (09022015). Collection method: clinical testing. Allele origin: germline.
Comment: In summary, the available evidence is currently insufficient to determine the role of this variant in disease. Therefore, it has been classified as a Variant of Uncertain Significance. Algorithms developed to predict the effect of missense changes on protein structure and function are either unavailable or do not agree on the potential impact of this missense change (SIFT: "Deleterious"; PolyPhen-2: "Benign"; Align-GVGD: "Class C15"). This variant has not been reported in the literature in individuals affected with RP9-related conditions. This variant is not present in population databases (gnomAD no frequency). This sequence change replaces lysine, which is basic and polar, with glutamic acid, which is acidic and polar, at codon 101 of the RP9 protein (p.Lys101Glu).

NM_203288.2(RP9):c.301A>G (p.Lys101Glu)

Gene: RP9 (RP9 pre-mRNA splicing factor; minus strand). Cytogenetic location: 7p14.3.
Variant type: single nucleotide variant.
Coding change: c.301A>G on transcript NM_203288.2 (MANE Select); coding-DNA position 301, A replaced by G.
Protein change: p.Lys101Glu; replaces lysine 101 with glutamic acid.
Molecular consequence: missense variant.
Genome position (GRCh38, 1-based): chr7:33,099,319, T>C on the plus strand (A>G on the coding strand, the complement: RP9 is on the minus strand). VCF-style: chr7-33099319-T-C. GRCh37 (hg19) VCF-style: chr7-33138931-T-C.
Other names: short protein forms K101E.
Identifiers: ClinVar variation 2114127 (VCV002114127.4), dbSNP rs925566360, ClinGen allele CA156255427.